The following is an entry in ClinVar:

ClinVar aggregate classification (germline): Uncertain significance (1 of 4 stars; one submission).

Submission:

GeneDx
Classification: Uncertain significance. Last evaluated: 2018-05-25. Review status: criteria provided, single submitter. Criteria: GeneDx Variant Classification (06012015). Collection method: clinical testing. Allele origin: germline. Affected: yes.
Comment: The c.1013-2A>G variant has not been published as a pathogenic variant, nor has it been reported as a benign variant to our knowledge. This splice site variant destroys the canonical splice acceptor site in intron 2. It is predicted to cause abnormal gene splicing, either leading to an abnormal message that is subject to nonsense-mediated mRNA decay, or to an abnormal protein product if the message is used for protein translation. However, in the absence of RNA/functional studies, the actual effect of this sequence change in this individual is unknown. The c.1013-2A>G variant is not observed in large population cohorts (Lek et al., 2016). Therefore, based on the currently available information, it is unclear whether this variant is a pathogenic variant or a rare benign variant.

NM_173495.3(PTCHD1):c.1013-2A>G

Gene: PTCHD1 (patched domain containing 1; plus strand). Cytogenetic location: Xp22.11.
Variant type: single nucleotide variant.
Coding change: c.1013-2A>G on transcript NM_173495.3 (MANE Select); the canonical splice acceptor site of the intron before coding-DNA position 1013, A replaced by G.
Molecular consequence: splice acceptor variant.
Genome position (GRCh38, 1-based): chrX:23,392,529, A>G. VCF-style: chrX-23392529-A-G. GRCh37 (hg19) VCF-style: chrX-23410646-A-G.
Identifiers: ClinVar variation 546318 (VCV000546318.2), dbSNP rs1555912666, ClinGen allele CA412582244.